The following is an entry in ClinVar:

NM_002335.4(LRP5):c.73T>A (p.Cys25Ser)

Gene: LRP5 (LDL receptor related protein 5; plus strand). Cytogenetic location: 11q13.2.
Variant type: single nucleotide variant.
Coding change: c.73T>A on transcript NM_002335.4 (MANE Select); coding-DNA position 73, T replaced by A.
Protein change: p.Cys25Ser; replaces cysteine 25 with serine.
Molecular consequence: missense variant. On other transcripts: 5 prime UTR variant (1).
Genome position (GRCh38, 1-based): chr11:68,312,787, T>A. VCF-style: chr11-68312787-T-A. GRCh37 (hg19) VCF-style: chr11-68080255-T-A.
Other names: c.-1693T>A (NM_001291902.2); short protein forms C25S.
Identifiers: ClinVar variation 2748504 (VCV002748504.3), dbSNP rs2496192223, ClinGen allele CA381607549.

ClinVar aggregate classification (germline): Uncertain significance (1 of 4 stars; one submission).

Submission:

Labcorp Genetics (formerly Invitae), Labcorp
Classification: Uncertain significance. Last evaluated: 2025-03-17. Review status: criteria provided, single submitter. Criteria: Invitae Variant Classification Sherloc (09022015). Collection method: clinical testing. Allele origin: germline.
Comment: This sequence change replaces cysteine, which is neutral and slightly polar, with serine, which is neutral and polar, at codon 25 of the LRP5 protein (p.Cys25Ser). This variant is not present in population databases (gnomAD no frequency). This variant has not been reported in the literature in individuals affected with LRP5-related conditions. ClinVar contains an entry for this variant (Variation ID: 2748504). Invitae Evidence Modeling of protein sequence and biophysical properties (such as structural, functional, and spatial information, amino acid conservation, physicochemical variation, residue mobility, and thermodynamic stability) indicates that this missense variant is not expected to disrupt LRP5 protein function with a negative predictive value of 95%. In summary, the available evidence is currently insufficient to determine the role of this variant in disease. Therefore, it has been classified as a Variant of Uncertain Significance.